The following is an entry in ClinVar:

ClinVar aggregate classification (germline): Conflicting classifications of pathogenicity. Review status: criteria provided, conflicting classifications (1 of 4 stars). 2 submissions from 2 submitters: Likely pathogenic (1); Uncertain significance (1). Last evaluated 2023-09-11.

Conditions:
3M syndrome 2. Also called: THREE M SYNDROME 2; 3-M Syndrome, OBSL1-Related. Identifiers: Orphanet 2616, MedGen C2752041, MONDO:0013039, OMIM 612921.

Allele frequency attached by ClinVar (database versions not stated): gnomAD exomes 0.00001; gnomAD 0.00007; TOPMed 0.00008.

Submissions (2):

Department of Pathology and Laboratory Medicine, Sinai Health System
Classification: Likely pathogenic for 3M syndrome 2. Last evaluated: 2023-09-11. Review status: criteria provided, single submitter. Criteria: ACMG Guidelines, 2015. Collection method: research. Allele origin: germline.

Labcorp Genetics (formerly Invitae), Labcorp
Classification: Uncertain significance. Last evaluated: 2022-10-17. Review status: criteria provided, single submitter. Criteria: Invitae Variant Classification Sherloc (09022015). Collection method: clinical testing. Allele origin: germline.
Comment: This sequence change creates a premature translational stop signal (p.Val1267Cysfs*4) in the OBSL1 gene. However, it is currently unclear if variants that occur in this region of the gene cause disease. This variant is present in population databases (rs766559629, gnomAD 0.02%). This variant has not been reported in the literature in individuals affected with OBSL1-related conditions. ClinVar contains an entry for this variant (Variation ID: 1375196). In summary, the available evidence is currently insufficient to determine the role of this variant in disease. Therefore, it has been classified as a Variant of Uncertain Significance.

NM_015311.3(OBSL1):c.3798del (p.Val1267fs)

Gene: OBSL1 (obscurin like cytoskeletal adaptor 1; minus strand). Cytogenetic location: 2q35.
Variant type: Deletion.
Coding change: c.3798del on transcript NM_015311.3 (MANE Select); coding-DNA position 3798, one base deleted (T; older notation c.3798delT).
Protein change: p.Val1267fs; shifts the reading frame from valine 1267.
Molecular consequence: frameshift variant.
Genome position (GRCh38, 1-based): chr2:219,557,611, A deleted on the plus strand (T on the coding strand, the reverse complement: OBSL1 is on the minus strand). VCF-style (leftmost placement, unchanged base first): chr2-219557610-CA-C. GRCh37 (hg19) VCF-style: chr2-220422332-CA-C.
Other names: c.3798del, p.Val1267fs (NM_001173431.2); short protein forms V1267fs.
Identifiers: ClinVar variation 1375196 (VCV001375196.6), dbSNP rs766559629, ClinGen allele CA2130742.
Genomic context (GRCh38, chr2:219,557,610, plus strand): 5'-GGTCCCCGCCTGGGGTGCTCCGAACCCTCGTCTGGGCTGCCTCGGGAGCTACCACCCGCA[CA>C]GGGGGCTCTGTGGAGTCAGAGCTGGAGGTCACTGGGAGGGAGAGGCTCAGGGCTTTGAGG-3'